The following is an entry in ClinVar:

ClinVar aggregate classification (germline): Benign/Likely benign. Review status: criteria provided, multiple submitters, no conflicts (2 of 4 stars). 6 submissions from 6 submitters: Benign (1); Likely benign (4). 1 of the submissions does not count toward it. Last evaluated 2026-08-01.

Allele frequency attached by ClinVar (database versions not stated): 1000 Genomes Project 0.00180; 1000 Genomes Project 30x 0.00187; gnomAD 0.00470 and 0.00560; gnomAD exomes 0.00496; ExAC 0.00509; TOPMed 0.00531; ESP Exome Variant Server 0.00615.
gnomAD v4.1: 10,747 of 1,614,066 alleles (0.67%); highest among the groups gnomAD compares: Non-Finnish European, 0.78%; 55 homozygotes.

Submissions (6):

CeGaT Center for Human Genetics Tuebingen
Classification: Likely benign. Last evaluated: 2026-08-01. Review status: criteria provided, single submitter. Criteria: CeGaT Center For Human Genetics Tuebingen Variant Classification Criteria Version 2. Collection method: clinical testing. Allele origin: germline. Affected: yes. Observed: 14 variant alleles.
Comment: TARS2: BP4, BS2

Labcorp Genetics (formerly Invitae), Labcorp
Classification: Likely benign. Last evaluated: 2026-01-19. Review status: criteria provided, single submitter. Criteria: Invitae Variant Classification Sherloc (09022015). Collection method: clinical testing. Allele origin: germline.

GeneDx
Classification: Benign. Last evaluated: 2019-08-01. Review status: criteria provided, single submitter. Criteria: GeneDx Variant Classification Process June 2021. Collection method: clinical testing. Allele origin: germline. Affected: yes.

Center for Pediatric Genomic Medicine, Children's Mercy Hospital and Clinics
Classification: Likely benign. Last evaluated: 2017-09-19. Review status: criteria provided, single submitter. Criteria: ACMG Guidelines, 2015. Collection method: clinical testing. Allele origin: germline.

Breakthrough Genomics
Classification: Likely benign. Review status: criteria provided, single submitter. Criteria: ACMG Guidelines, 2015. Collection method: not provided. Allele origin: germline. Inheritance: Autosomal recessive inheritance. Affected: yes.

Mayo Clinic Laboratories, Mayo Clinic
Classification: Benign. Last evaluated: 2017-06-14. Review status: no assertion criteria provided. Collection method: clinical testing. Allele origin: unknown. Not counted in ClinVar's aggregate classification.

NM_025150.5(TARS2):c.1034A>G (p.His345Arg)

Gene: TARS2 (threonyl-tRNA synthetase 2, mitochondrial; plus strand). Cytogenetic location: 1q21.2.
Variant type: single nucleotide variant.
Coding change: c.1034A>G on transcript NM_025150.5 (MANE Select); coding-DNA position 1034, A replaced by G.
Protein change: p.His345Arg; replaces histidine 345 with arginine.
Molecular consequence: missense variant. On other transcripts: non-coding transcript variant (2).
Genome position (GRCh38, 1-based): chr1:150,497,543, A>G. VCF-style: chr1-150497543-A-G. GRCh37 (hg19) VCF-style: chr1-150470019-A-G.
Other names: c.788A>G, p.His263Arg (NM_001271895.2); c.644A>G, p.His215Arg (NM_001271896.2); short protein forms H345R, H215R, H263R.
Identifiers: ClinVar variation 380192 (VCV000380192.50), dbSNP rs115390773, ClinGen allele CA1076897.